The following is an entry in ClinVar:

NM_003873.7(NRP1):c.2349C>A (p.Gly783=)

Gene: NRP1 (neuropilin 1; minus strand). Cytogenetic location: 10p11.22.
Variant type: single nucleotide variant.
Coding change: c.2349C>A on transcript NM_003873.7 (MANE Select); coding-DNA position 2349, C replaced by A.
Protein change: p.Gly783=; no amino-acid change (glycine 783 retained).
Molecular consequence: synonymous variant. On other transcripts: non-coding transcript variant (1).
Genome position (GRCh38, 1-based): chr10:33,185,710, G>T on the plus strand (C>A on the coding strand, the complement: NRP1 is on the minus strand). VCF-style: chr10-33185710-G-T. GRCh37 (hg19) VCF-style: chr10-33474638-G-T.
Other names: c.2331C>A, p.Gly777= (NM_001244972.2); c.2328C>A, p.Gly776= (NM_001244973.2); c.2349C>A, p.Gly783= (NM_001330068.2).
Identifiers: ClinVar variation 770764 (VCV000770764.7), dbSNP rs143858258, ClinGen allele CA5466207.

ClinVar aggregate classification (germline): Benign. Review status: criteria provided, multiple submitters, no conflicts (2 of 4 stars). 3 submissions from 3 submitters: Benign (2). 1 of the submissions does not count toward it. Last evaluated 2019-12-31.

Conditions:
NRP1-related disorder. Also called: NRP1-related condition.

Allele frequency attached by ClinVar (database versions not stated): 1000 Genomes Project 30x 0.00172; 1000 Genomes Project 0.00180; gnomAD 0.00220; TOPMed 0.00306; ESP Exome Variant Server 0.00392.
gnomAD v4.1: 6,922 of 1,613,266 alleles (0.43%); highest among the groups gnomAD compares: Non-Finnish European, 0.53%; 20 homozygotes.

Submissions (3):

Labcorp Genetics (formerly Invitae), Labcorp
Classification: Benign. Last evaluated: 2019-12-31. Review status: criteria provided, single submitter. Criteria: Invitae Variant Classification Sherloc (09022015). Collection method: clinical testing. Allele origin: germline.

Breakthrough Genomics
Classification: Benign. Review status: criteria provided, single submitter. Criteria: ACMG Guidelines, 2015. Collection method: not provided. Allele origin: germline. Inheritance: Unknown mechanism. Affected: yes.

PreventionGenetics, part of Exact Sciences
Classification: Likely benign for NRP1-related condition. Last evaluated: 2019-03-05. Review status: no assertion criteria provided. Collection method: clinical testing. Allele origin: germline. Not counted in ClinVar's aggregate classification.
Comment: This variant is classified as likely benign based on ACMG/AMP sequence variant interpretation guidelines (Richards et al. 2015 PMID: 25741868, with internal and published modifications).